The following is an entry in ClinVar:

ClinVar aggregate classification (germline): Benign/Likely benign. Review status: criteria provided, multiple submitters, no conflicts (2 of 4 stars). 6 submissions from 6 submitters: Benign (3); Likely benign (2). 1 of the submissions does not count toward it. Last evaluated 2026-01-12.

Conditions:
SPECC1L-related disorder. Also called: SPECC1L-related condition.
Teebi hypertelorism syndrome. Identifiers: Orphanet 1519, MedGen C0796179, MONDO:0030639.

Allele frequency attached by ClinVar (database versions not stated): 1000 Genomes Project 30x 0.00312; 1000 Genomes Project 0.00359; TOPMed 0.00526; gnomAD 0.00543 and 0.00545; gnomAD exomes 0.00549; ExAC 0.00573; ESP Exome Variant Server 0.00684.
gnomAD v4.1: 13,467 of 1,614,146 alleles (0.83%); highest among the groups gnomAD compares: Non-Finnish European, 1%; 73 homozygotes.

Submissions (6):

Labcorp Genetics (formerly Invitae), Labcorp
Classification: Benign. Last evaluated: 2026-01-12. Review status: criteria provided, single submitter. Criteria: Invitae Variant Classification Sherloc (09022015). Collection method: clinical testing. Allele origin: germline.

CeGaT Center for Human Genetics Tuebingen
Classification: Benign. Last evaluated: 2025-01-01. Review status: criteria provided, single submitter. Criteria: CeGaT Center For Human Genetics Tuebingen Variant Classification Criteria Version 2. Collection method: clinical testing. Allele origin: germline. Affected: yes. Observed: 16 variant alleles.
Comment: SPECC1L: BS1, BS2

Genetic Services Laboratory, University of Chicago
Classification: Benign. Last evaluated: 2019-07-17. Review status: criteria provided, single submitter. Criteria: ACMG Guidelines, 2015. Collection method: clinical testing. Allele origin: germline. Affected: no.

Mendelics
Classification: Likely benign for Teebi hypertelorism syndrome 1. Last evaluated: 2019-05-28. Review status: criteria provided, single submitter. Criteria: Mendelics Assertion Criteria 2017. Collection method: clinical testing. Allele origin: unknown.

Breakthrough Genomics
Classification: Likely benign. Review status: criteria provided, single submitter. Criteria: ACMG Guidelines, 2015. Collection method: not provided. Allele origin: germline. Inheritance: Autosomal dominant inheritance. Affected: yes.

PreventionGenetics, part of Exact Sciences
Classification: Benign for SPECC1L-related condition. Last evaluated: 2019-06-17. Review status: no assertion criteria provided. Collection method: clinical testing. Allele origin: germline. Not counted in ClinVar's aggregate classification.
Comment: This variant is classified as benign based on ACMG/AMP sequence variant interpretation guidelines (Richards et al. 2015 PMID: 25741868, with internal and published modifications).

NM_015330.6(SPECC1L):c.1460G>A (p.Arg487His)

Genes: SPECC1L (sperm antigen with calponin homology and coiled-coil domains 1 like; plus strand), SPECC1L-ADORA2A (SPECC1L-ADORA2A readthrough (NMD candidate); plus strand). Cytogenetic location: 22q11.23.
Variant type: single nucleotide variant.
Coding change: c.1460G>A on transcript NM_015330.6 (MANE Select); coding-DNA position 1460, G replaced by A.
Protein change: p.Arg487His; replaces arginine 487 with histidine.
Molecular consequence: missense variant. On other transcripts: non-coding transcript variant (1).
Genome position (GRCh38, 1-based): chr22:24,322,440, G>A. VCF-style: chr22-24322440-G-A. GRCh37 (hg19) VCF-style: chr22-24718408-G-A.
Other names: c.1460G>A, p.Arg487His (NM_001145468.4, NM_001254732.3); short protein forms R487H.
Identifiers: ClinVar variation 773371 (VCV000773371.39), dbSNP rs55723436, ClinGen allele CA10152121.